The following is an entry in ClinVar:

NM_000052.7(ATP7A):c.2780A>G (p.Lys927Arg)

Gene: ATP7A (ATPase copper transporting alpha; plus strand). Cytogenetic location: Xq21.1.
Variant type: single nucleotide variant.
Coding change: c.2780A>G on transcript NM_000052.7 (MANE Select); coding-DNA position 2780, A replaced by G.
Protein change: p.Lys927Arg; replaces lysine 927 with arginine.
Molecular consequence: missense variant.
Genome position (GRCh38, 1-based): chrX:78,020,397, A>G. VCF-style: chrX-78020397-A-G. GRCh37 (hg19) VCF-style: chrX-77275894-A-G.
Other names: c.2546A>G, p.Lys849Arg (NM_001282224.2); short protein forms K849R, K927R.
Identifiers: ClinVar variation 991728 (VCV000991728.6), dbSNP rs1557235625, ClinGen allele CA413602668.

ClinVar aggregate classification (germline): Uncertain significance. Review status: criteria provided, single submitter (1 of 4 stars). 2 submissions from 2 submitters: Uncertain significance (1). 1 of the submissions does not count toward it. Last evaluated 2024-11-21.

Conditions:
X-linked distal spinal muscular atrophy type 3. Also called: SPINAL MUSCULAR ATROPHY, DISTAL, X-LINKED RECESSIVE; NEURONOPATHY, DISTAL HEREDITARY MOTOR, X-LINKED; NEUROPATHY, DISTAL HEREDITARY MOTOR, X-LINKED; ATP7A-Related Distal Motor Neuropathy. Identifiers: Orphanet 139557, MedGen C1845359, MONDO:0010338, OMIM 300489.
Menkes kinky-hair syndrome (MNK). Also called: Classic Menkes Disease; Menkes Disease; Copper transport disease. Identifiers: Orphanet 565, MedGen C0022716, MONDO:0010651, OMIM 309400.
Cutis laxa, X-linked (OHS). Also called: EDS IX; Occipital horn syndrome. Identifiers: Orphanet 198, MedGen C0268353, MONDO:0010572, OMIM 304150.

Allele frequency attached by ClinVar (database versions not stated): TOPMed below 0.00001; gnomAD 0.00001; gnomAD exomes 0.00001.
gnomAD v4.1: 14 of 1,208,202 alleles (0.0012%); highest among the groups gnomAD compares: African/African-American, 0.0017%; no homozygotes.

Submissions (2):

Labcorp Genetics (formerly Invitae), Labcorp
Classification: Uncertain significance for X-linked distal spinal muscular atrophy type 3; Cutis laxa, X-linked; Menkes kinky-hair syndrome. Last evaluated: 2024-11-21. Review status: criteria provided, single submitter. Criteria: Invitae Variant Classification Sherloc (09022015). Collection method: clinical testing. Allele origin: germline.
Comment: This sequence change replaces lysine, which is basic and polar, with arginine, which is basic and polar, at codon 927 of the ATP7A protein (p.Lys927Arg). This variant is present in population databases (no rsID available, gnomAD 0.008%). This variant has not been reported in the literature in individuals affected with ATP7A-related conditions. ClinVar contains an entry for this variant (Variation ID: 991728). An algorithm developed to predict the effect of missense changes on protein structure and function (PolyPhen-2) suggests that this variant is likely to be disruptive. In summary, the available evidence is currently insufficient to determine the role of this variant in disease. Therefore, it has been classified as a Variant of Uncertain Significance.

Natera, Inc.
Classification: Uncertain significance for Menkes kinky hair syndrome. Last evaluated: 2020-08-13. Review status: no assertion criteria provided. Collection method: clinical testing. Allele origin: germline. Not counted in ClinVar's aggregate classification.